The following is an entry in ClinVar:

ClinVar aggregate classification (germline): Benign (1 of 4 stars; one submission).

Conditions:
Wolfram syndrome 1 (WFS1). Identifiers: Orphanet 3463, MedGen C4551693, MONDO:0009101, OMIM 222300.

gnomAD v4.1: 7 of 1,614,018 alleles (0.00043%); highest among the groups gnomAD compares: East Asian, 0.0022%; no homozygotes.

Submission:

Clinical Genomics, Uppaluri K&H Personalized Medicine Clinic
Classification: Benign for Wolfram syndrome 1. Review status: criteria provided, single submitter. Criteria: K & H Uppaluri Personalized Medicine Clinic Variant Classification & Assertion Criteria_Updated V.1. Collection method: research. Allele origin: unknown. Inheritance: Autosomal recessive inheritance.
Comment: Potent mutations in WFS1 gene are associated with Wolfram's syndrome, an autosomal recessive condition, which cause diabetes mellitus, diabetes insipidus, deafness and optic atrophy.However no sufficient evidence is found to ascertain the role of this particular variant rs876658117 in Wolfram's syndrome yet.

Literature cited by the submitters: PubMed 20738327; PubMed 33879153; PubMed 12955714; PubMed 18060660; PubMed 20301750; PubMed 17603484.

NM_006005.3(WFS1):c.1020C>T (p.Phe340=)

Gene: WFS1 (wolframin ER transmembrane glycoprotein; plus strand). Cytogenetic location: 4p16.1.
Variant type: single nucleotide variant.
Coding change: c.1020C>T on transcript NM_006005.3 (MANE Select); coding-DNA position 1020, C replaced by T.
Protein change: p.Phe340=; no amino-acid change (phenylalanine 340 retained).
Molecular consequence: synonymous variant.
Genome position (GRCh38, 1-based): chr4:6,300,815, C>T. VCF-style: chr4-6300815-C-T. GRCh37 (hg19) VCF-style: chr4-6302542-C-T.
Other names: c.1020C>T, p.Phe340= (NM_001145853.1).
Identifiers: ClinVar variation 1810363 (VCV001810363.1), dbSNP rs876658117, ClinGen allele CA438367884.